The following is an entry in ClinVar:

NM_000136.3(FANCC):c.346-1G>T

Gene: FANCC (FA complementation group C; minus strand). Cytogenetic location: 9q22.32.
Variant type: single nucleotide variant.
Coding change: c.346-1G>T on transcript NM_000136.3 (MANE Select); the canonical splice acceptor site of the intron before coding-DNA position 346, G replaced by T.
Molecular consequence: splice acceptor variant.
Genome position (GRCh38, 1-based): chr9:95,172,148, C>A on the plus strand (G>T on the coding strand, the complement: FANCC is on the minus strand). VCF-style: chr9-95172148-C-A. GRCh37 (hg19) VCF-style: chr9-97934430-C-A.
Other names: c.346-1G>T (NM_001243743.2, NM_001243744.2).
Identifiers: ClinVar variation 653783 (VCV000653783.8), dbSNP rs1484503633, ClinGen allele CA374338922.
Genomic context (GRCh38, chr9:95,172,148, plus strand): 5'-AGTGAAAAGAGCAACTTCTTTATCAAATCTGAGTGCTGAAAGTATATGAGATAATACACC[C>A]TAAAAAACATAAACAGAAAAAGTTAACTTCTTTAAAAGTAAATGCAAGTGCCTTTTATGT-3'

ClinVar aggregate classification (germline): Likely pathogenic (1 of 4 stars; one submission).

Conditions:
Fanconi anemia (FA). Also called: Fanconi's anemia. Identifiers: Orphanet 84, MedGen C0015625, MeSH D005199, MONDO:0019391.

Submissions (2):

Labcorp Genetics (formerly Invitae), Labcorp
Classification: Likely pathogenic for Fanconi anemia. Last evaluated: 2018-11-26. Review status: criteria provided, single submitter. Criteria: Invitae Variant Classification Sherloc (09022015). Collection method: clinical testing. Allele origin: germline.
Comment: In summary, the currently available evidence indicates that the variant is pathogenic, but additional data are needed to prove that conclusively. Therefore, this variant has been classified as Likely Pathogenic. Donor and acceptor splice site variants typically lead to a loss of protein function (PMID: 16199547), and loss-of-function variants in FANCC are known to be pathogenic (PMID: 17924555). Algorithms developed to predict the effect of sequence changes on RNA splicing suggest that this variant may disrupt the consensus splice site, but this prediction has not been confirmed by published transcriptional studies. This variant has not been reported in the literature in individuals with FANCC-related conditions. This variant is not present in population databases (ExAC no frequency). This sequence change affects an acceptor splice site in intron 4 of the FANCC gene. It is expected to disrupt RNA splicing and likely results in an absent or disrupted protein product.

Dr. Peter K. Rogan Lab, Western University
No classification provided (evidence only). Condition: Melanoma. Review status: no classification provided. Collection method: in vitro. Allele origin: not applicable. Functional consequence: retained intron. Not counted in ClinVar's aggregate classification.

Literature cited by the submitters: PubMed 16199547 (cited by Labcorp Genetics (formerly Invitae), Labcorp); PubMed 17924555 (cited by Labcorp Genetics (formerly Invitae), Labcorp).